The following is an entry in ClinVar:

ClinVar aggregate classification (germline): Uncertain significance. Review status: criteria provided, multiple submitters, no conflicts (2 of 4 stars). 2 submissions from 2 submitters: Uncertain significance (2). Last evaluated 2025-07-04.

Conditions:
Inborn genetic diseases. Identifiers: MedGen C0950123, MeSH D030342.

Submissions (2):

Ambry Genetics
Classification: Uncertain significance for Inborn genetic diseases. Last evaluated: 2025-07-04. Review status: criteria provided, single submitter. Criteria: Ambry Variant Classification Scheme 2023. Collection method: clinical testing. Allele origin: germline.

GeneDx
Classification: Uncertain significance. Last evaluated: 2022-01-21. Review status: criteria provided, single submitter. Criteria: GeneDx Variant Classification Process June 2021. Collection method: clinical testing. Allele origin: germline. Affected: yes.
Comment: Not observed at significant frequency in large population cohorts (gnomAD); In silico analysis supports that this missense variant has a deleterious effect on protein structure/function; Has not been previously published as pathogenic or benign to our knowledge

NM_000284.4(PDHA1):c.992G>T (p.Ser331Ile)

Gene: PDHA1 (pyruvate dehydrogenase E1 subunit alpha 1; plus strand). Cytogenetic location: Xp22.12.
Variant type: single nucleotide variant.
Coding change: c.992G>T on transcript NM_000284.4 (MANE Select); coding-DNA position 992, G replaced by T.
Protein change: p.Ser331Ile; replaces serine 331 with isoleucine.
Molecular consequence: missense variant.
Genome position (GRCh38, 1-based): chrX:19,359,008, G>T. VCF-style: chrX-19359008-G-T. GRCh37 (hg19) VCF-style: chrX-19377126-G-T.
Other names: c.1106G>T, p.Ser369Ile (NM_001173454.2); c.1013G>T, p.Ser338Ile (NM_001173455.2); c.899G>T, p.Ser300Ile (NM_001173456.2); short protein forms S300I, S331I, S338I, S369I.
Identifiers: ClinVar variation 1698328 (VCV001698328.3), dbSNP rs2147187404, ClinGen allele CA412396269.